The following is an entry in ClinVar:

ClinVar aggregate classification (germline): Uncertain significance. Review status: criteria provided, multiple submitters, no conflicts (2 of 4 stars). 2 submissions from 2 submitters: Uncertain significance (2). Last evaluated 2025-07-25.

Conditions:
Inborn genetic diseases. Identifiers: MedGen C0950123, MeSH D030342.

Allele frequency attached by ClinVar (database versions not stated): TOPMed 0.00001; gnomAD 0.00001; gnomAD exomes 0.00001.
gnomAD v4.1: 10 of 1,612,028 alleles (0.00062%); highest among the groups gnomAD compares: Non-Finnish European, 0.00085%; no homozygotes.

Submissions (2):

Labcorp Genetics (formerly Invitae), Labcorp
Classification: Uncertain significance. Last evaluated: 2025-07-25. Review status: criteria provided, single submitter. Criteria: Invitae Variant Classification Sherloc (09022015). Collection method: clinical testing. Allele origin: germline.
Comment: This sequence change replaces arginine, which is basic and polar, with histidine, which is basic and polar, at codon 452 of the AP3D1 protein (p.Arg452His). This variant is not present in population databases (gnomAD no frequency). This variant has not been reported in the literature in individuals affected with AP3D1-related conditions. ClinVar contains an entry for this variant (Variation ID: 2603137). An algorithm developed to predict the effect of missense changes on protein structure and function (PolyPhen-2) suggests that this variant is likely to be disruptive. In summary, the available evidence is currently insufficient to determine the role of this variant in disease. Therefore, it has been classified as a Variant of Uncertain Significance.

Ambry Genetics
Classification: Uncertain significance for Inborn genetic diseases. Last evaluated: 2023-08-10. Review status: criteria provided, single submitter. Criteria: Ambry Variant Classification Scheme 2023. Collection method: clinical testing. Allele origin: germline.

NM_001261826.3(AP3D1):c.1355G>A (p.Arg452His)

Gene: AP3D1 (adaptor related protein complex 3 subunit delta 1; minus strand). Cytogenetic location: 19p13.3.
Variant type: single nucleotide variant.
Coding change: c.1355G>A on transcript NM_001261826.3 (MANE Select); coding-DNA position 1355, G replaced by A.
Protein change: p.Arg452His; replaces arginine 452 with histidine.
Molecular consequence: missense variant.
Genome position (GRCh38, 1-based): chr19:2,120,988, C>T on the plus strand (G>A on the coding strand, the complement: AP3D1 is on the minus strand). VCF-style: chr19-2120988-C-T. GRCh37 (hg19) VCF-style: chr19-2120987-C-T.
Other names: c.1355G>A, p.Arg452His (NM_001374799.1, NM_003938.8); short protein forms R452H.
Identifiers: ClinVar variation 2603137 (VCV002603137.5), dbSNP rs1486762957, ClinGen allele CA403223269.